The following is an entry in ClinVar:

NM_001031689.3(PLAA):c.1730dup (p.Lys578fs)

Gene: PLAA (phospholipase A2 activating protein; minus strand). Cytogenetic location: 9p21.2.
Variant type: Duplication.
Coding change: c.1730dup on transcript NM_001031689.3 (MANE Select); coding-DNA position 1730, one base duplicated (A; older notation c.1730dupA).
Protein change: p.Lys578fs; shifts the reading frame from lysine 578.
Molecular consequence: frameshift variant.
Genome position (GRCh38, 1-based): chr9:26,907,926, T duplicated on the plus strand (A on the coding strand, the reverse complement: PLAA is on the minus strand). VCF-style (leftmost placement, unchanged base first): chr9-26907925-C-CT. GRCh37 (hg19) VCF-style: chr9-26907923-C-CT.
Other names: c.1661dup, p.Lys555fs (NM_001321546.2); short protein forms K555fs, K578fs.
Identifiers: ClinVar variation 1481106 (VCV001481106.3), dbSNP rs2131363890, ClinGen allele CA2573143678.

ClinVar aggregate classification (germline): Uncertain significance (1 of 4 stars; one submission).

Submission:

Labcorp Genetics (formerly Invitae), Labcorp
Classification: Uncertain significance. Last evaluated: 2021-11-27. Review status: criteria provided, single submitter. Criteria: Invitae Variant Classification Sherloc (09022015). Collection method: clinical testing. Allele origin: germline.
Comment: This sequence change creates a premature translational stop signal (p.Lys578Glufs*8) in the PLAA gene. It is expected to result in an absent or disrupted protein product. However, the current clinical and genetic evidence is not sufficient to establish whether loss-of-function variants in PLAA cause disease. This variant is not present in population databases (gnomAD no frequency). This variant has not been reported in the literature in individuals affected with PLAA-related conditions. In summary, the available evidence is currently insufficient to determine the role of this variant in disease. Therefore, it has been classified as a Variant of Uncertain Significance.